The following is an entry in ClinVar:

ClinVar aggregate classification (germline): Uncertain significance (1 of 4 stars; one submission).

Conditions:
Frasier syndrome. Identifiers: Orphanet 347, MedGen C0950122, MeSH D052159, MONDO:0007635, OMIM 136680.
Wilms tumor 1 (WT1). Also called: Wilms tumor, somatic. Identifiers: Orphanet 654, MedGen CN033288, MONDO:0008679, OMIM 194070.
11p partial monosomy syndrome (WAGR). Also called: CHROMOSOME 11p13 DELETION SYNDROME; WAGR syndrome; WAGR Complex; WAGR Spectrum Disorder. Identifiers: Orphanet 893, MedGen C0206115, MONDO:0008681, OMIM 194072.
Drash syndrome (DDS). Also called: WILMS TUMOR AND PSEUDO- OR TRUE HERMAPHRODITISM; NEPHROPATHY, WILMS TUMOR, AND GENITAL ANOMALIES. Identifiers: Orphanet 220, MedGen C0950121, MONDO:0008682, OMIM 194080.

Allele frequency attached by ClinVar (database versions not stated): gnomAD exomes below 0.00001.
gnomAD v4.1: 2 of 1,612,978 alleles (0.00012%); highest among the groups gnomAD compares: Non-Finnish European, 0.00017%; no homozygotes.

Submission:

Labcorp Genetics (formerly Invitae), Labcorp
Classification: Uncertain significance for Wilms tumor 1; Drash syndrome; 11p partial monosomy syndrome; Frasier syndrome. Last evaluated: 2023-07-10. Review status: criteria provided, single submitter. Criteria: Invitae Variant Classification Sherloc (09022015). Collection method: clinical testing. Allele origin: germline.
Comment: ClinVar contains an entry for this variant (Variation ID: 1426834). An algorithm developed to predict the effect of missense changes on protein structure and function (PolyPhen-2) suggests that this variant is likely to be disruptive. In summary, the available evidence is currently insufficient to determine the role of this variant in disease. Therefore, it has been classified as a Variant of Uncertain Significance. This variant has not been reported in the literature in individuals affected with WT1-related conditions. This sequence change replaces arginine, which is basic and polar, with serine, which is neutral and polar, at codon 213 of the WT1 protein (p.Arg213Ser). This variant is not present in population databases (gnomAD no frequency).

NM_024426.6(WT1):c.652C>A (p.Arg218Ser)

Genes: WT1 (WT1 transcription factor; minus strand), LOC107982234 (WT1/WT1-AS bi-directional promoter region; plus strand). Cytogenetic location: 11p13.
Variant type: single nucleotide variant.
Coding change: c.652C>A on transcript NM_024426.6 (MANE Select); coding-DNA position 652, C replaced by A.
Protein change: p.Arg218Ser; replaces arginine 218 with serine.
Molecular consequence: missense variant. On other transcripts: non-coding transcript variant (1).
Genome position (GRCh38, 1-based): chr11:32,434,709, G>T on the plus strand (C>A on the coding strand, the complement: WT1 is on the minus strand). VCF-style: chr11-32434709-G-T. GRCh37 (hg19) VCF-style: chr11-32456255-G-T.
Other names: c.652C>A, p.Arg218Ser (NM_000378.6, NM_024424.5); short protein forms R218S.
Identifiers: ClinVar variation 1426834 (VCV001426834.6), dbSNP rs2133101131, ClinGen allele CA379964409.